The following is an entry in ClinVar:

NM_003722.5(TP63):c.1695C>A (p.Phe565Leu)

Gene: TP63 (tumor protein p63; plus strand). Cytogenetic location: 3q28.
Variant type: single nucleotide variant.
Coding change: c.1695C>A on transcript NM_003722.5 (MANE Select); coding-DNA position 1695, C replaced by A.
Protein change: p.Phe565Leu; replaces phenylalanine 565 with leucine.
Molecular consequence: missense variant. On other transcripts: intron variant (6).
Genome position (GRCh38, 1-based): chr3:189,890,831, C>A. VCF-style: chr3-189890831-C-A. GRCh37 (hg19) VCF-style: chr3-189608620-C-A.
Other names: c.1413C>A, p.Phe471Leu (NM_001114980.2); c.1158C>A, p.Phe386Leu (NM_001329146.2); c.1683C>A, p.Phe561Leu (NM_001329148.2); c.1689C>A, p.Phe563Leu (NM_001329964.2); c.1652+1347C>A (NM_001114978.2); c.1508-3375C>A (NM_001329144.2); c.1370+1347C>A (NM_001114981.2); c.1226-3375C>A (NM_001329145.2); and 2 more; short protein forms F386L, F563L, F471L, F565L, F561L.
Identifiers: ClinVar variation 1451179 (VCV001451179.7), dbSNP rs2108864831, ClinGen allele CA355759040.

ClinVar aggregate classification (germline): Pathogenic (1 of 4 stars; one submission).

Conditions:
TP63-Related Spectrum Disorders.

Submission:

Labcorp Genetics (formerly Invitae), Labcorp
Classification: Pathogenic. Last evaluated: 2021-08-06. Review status: criteria provided, single submitter. Criteria: Invitae Variant Classification Sherloc (09022015). Collection method: clinical testing. Allele origin: germline.
Comment: This sequence change replaces phenylalanine with leucine at codon 565 of the TP63 protein (p.Phe565Leu). The phenylalanine residue is highly conserved and there is a small physicochemical difference between phenylalanine and leucine. This variant is not present in population databases (ExAC no frequency). This missense change has been observed in individual(s) with ankyloblepharon-ectodermal dysplasia-cleft lip/palate syndrome (PMID: 19676060, Invitae). This variant is also known as c.1578C>A (p.Phe526Leu). Experimental studies have shown that this variant affects TP63 protein function (PMID: 22252508). This variant disrupts the p.Phe565 amino acid residue in TP63. Other variant(s) that disrupt this residue have been determined to be pathogenic (Invitae). This suggests that this residue is clinically significant, and that variants that disrupt this residue are likely to be disease-causing. For these reasons, this variant has been classified as Pathogenic.

Literature cited by the submitters: PubMed 19676060; PubMed 22252508.